The following is an entry in ClinVar:

ClinVar aggregate classification (germline): Uncertain significance (1 of 4 stars; one submission).

Conditions:
Multiple endocrine neoplasia, type 1 (MEN1). Also called: MEN I; WERMER SYNDROME; Endocrine adenomatosis multiple; MEN 1; MEA I. Identifiers: Orphanet 652, MedGen C0025267, MeSH D018761, MONDO:0007540, OMIM 131100.

Allele frequency attached by ClinVar (database versions not stated): gnomAD exomes below 0.00001.
gnomAD v4.1: 1 of 1,614,126 alleles (0.000062%); highest among the groups gnomAD compares: East Asian, 0.0022%; no homozygotes.

Submission:

Labcorp Genetics (formerly Invitae), Labcorp
Classification: Uncertain significance for Multiple endocrine neoplasia, type 1. Last evaluated: 2023-02-24. Review status: criteria provided, single submitter. Criteria: Invitae Variant Classification Sherloc (09022015). Collection method: clinical testing. Allele origin: germline.
Comment: This sequence change replaces aspartic acid, which is acidic and polar, with glutamic acid, which is acidic and polar, at codon 180 of the MEN1 protein (p.Asp180Glu). This variant is present in population databases (no rsID available, gnomAD 0.006%). This variant has not been reported in the literature in individuals affected with MEN1-related conditions. Advanced modeling of protein sequence and biophysical properties (such as structural, functional, and spatial information, amino acid conservation, physicochemical variation, residue mobility, and thermodynamic stability) performed at Invitae indicates that this missense variant is expected to disrupt MEN1 protein function. In summary, the available evidence is currently insufficient to determine the role of this variant in disease. Therefore, it has been classified as a Variant of Uncertain Significance.

NM_001370259.2(MEN1):c.540T>A (p.Asp180Glu)

Gene: MEN1 (menin 1; minus strand). Cytogenetic location: 11q13.1.
Variant type: single nucleotide variant.
Coding change: c.540T>A on transcript NM_001370259.2 (MANE Select); coding-DNA position 540, T replaced by A.
Protein change: p.Asp180Glu; replaces aspartic acid 180 with glutamic acid.
Molecular consequence: missense variant. On other transcripts: non-coding transcript variant (4).
Genome position (GRCh38, 1-based): chr11:64,808,005, A>T on the plus strand (T>A on the coding strand, the complement: MEN1 is on the minus strand). VCF-style: chr11-64808005-A-T. GRCh37 (hg19) VCF-style: chr11-64575477-A-T.
Other names: c.555T>A, p.Asp185Glu (NM_000244.4, NM_001407145.1, NM_001407150.1 and 5 more transcripts); c.540T>A, p.Asp180Glu (NM_001370251.2, NM_001370260.2, NM_001370261.2 and 12 more transcripts); short protein forms D185E, D180E.
Identifiers: ClinVar variation 2840360 (VCV002840360.3), dbSNP rs1395745940, ClinGen allele CA381185870.